The following is an entry in ClinVar:

ClinVar aggregate classification (germline): Likely benign. Review status: criteria provided, single submitter (1 of 4 stars). 2 submissions from 2 submitters: Likely benign (1). 1 of the submissions does not count toward it. Last evaluated 2023-12-19.

Conditions:
PCNT-related disorder. Also called: PCNT-related condition.

Allele frequency attached by ClinVar (database versions not stated): gnomAD exomes below 0.00001; ExAC 0.00001.
gnomAD v4.1: 4 of 1,606,614 alleles (0.00025%); highest among the groups gnomAD compares: Admixed American, 0.0017%; no homozygotes.

Submissions (2):

Labcorp Genetics (formerly Invitae), Labcorp
Classification: Likely benign. Last evaluated: 2023-12-19. Review status: criteria provided, single submitter. Criteria: Invitae Variant Classification Sherloc (09022015). Collection method: clinical testing. Allele origin: germline.

PreventionGenetics, part of Exact Sciences
Classification: Likely benign for PCNT-related condition. Last evaluated: 2021-06-28. Review status: no assertion criteria provided. Collection method: clinical testing. Allele origin: germline. Not counted in ClinVar's aggregate classification.
Comment: This variant is classified as likely benign based on ACMG/AMP sequence variant interpretation guidelines (Richards et al. 2015 PMID: 25741868, with internal and published modifications).

NM_006031.6(PCNT):c.4557C>T (p.Asp1519=)

Gene: PCNT (pericentrin; plus strand). Cytogenetic location: 21q22.3.
Variant type: single nucleotide variant.
Coding change: c.4557C>T on transcript NM_006031.6 (MANE Select); coding-DNA position 4557, C replaced by T.
Protein change: p.Asp1519=; no amino-acid change (aspartic acid 1519 retained).
Molecular consequence: synonymous variant.
Genome position (GRCh38, 1-based): chr21:46,398,124, C>T. VCF-style: chr21-46398124-C-T. GRCh37 (hg19) VCF-style: chr21-47818038-C-T.
Other names: c.4203C>T, p.Asp1401= (NM_001315529.2); c.4557C>T (NM_006031.5).
Identifiers: ClinVar variation 1540297 (VCV001540297.9), dbSNP rs768029500, ClinGen allele CA10079676.